The following is an entry in ClinVar:

NM_000138.5(FBN1):c.7880G>A (p.Gly2627Glu)

Gene: FBN1 (fibrillin 1; minus strand). Cytogenetic location: 15q21.1.
Variant type: single nucleotide variant.
Coding change: c.7880G>A on transcript NM_000138.5 (MANE Select); coding-DNA position 7880, G replaced by A.
Protein change: p.Gly2627Glu; replaces glycine 2627 with glutamic acid.
Molecular consequence: missense variant.
Genome position (GRCh38, 1-based): chr15:48,415,707, C>T on the plus strand (G>A on the coding strand, the complement: FBN1 is on the minus strand). VCF-style: chr15-48415707-C-T. GRCh37 (hg19) VCF-style: chr15-48707904-C-T.
Other names: short protein forms G2627E.
Identifiers: ClinVar variation 449756 (VCV000449756.7), dbSNP rs1555393875, ClinGen allele CA392323342.

ClinVar aggregate classification (germline): Likely pathogenic. Review status: criteria provided, multiple submitters, no conflicts (2 of 4 stars). 3 submissions from 3 submitters: Likely pathogenic (3). Last evaluated 2023-07-25.

Conditions:
Marfan syndrome (MFS). Also called: MARFAN SYNDROME, TYPE I; FBN1-Related Marfan Syndrome; Marfan syndrome type 1; Marfan's syndrome; Marfan syndrome, classic. Identifiers: Orphanet 284963, Orphanet 558, MedGen C0024796, MONDO:0007947, OMIM 154700.
Familial thoracic aortic aneurysm and aortic dissection (TAAD). Also called: Thoracic aortic aneurysms and dissections. Identifiers: Orphanet 91387, MedGen C4707243, MONDO:0019625.

Submissions (3):

Labcorp Genetics (formerly Invitae), Labcorp
Classification: Likely pathogenic for Marfan syndrome; Familial thoracic aortic aneurysm and aortic dissection. Last evaluated: 2023-07-25. Review status: criteria provided, single submitter. Criteria: Invitae Variant Classification Sherloc (09022015). Collection method: clinical testing. Allele origin: germline.
Comment: This sequence change replaces glycine, which is neutral and non-polar, with glutamic acid, which is acidic and polar, at codon 2627 of the FBN1 protein (p.Gly2627Glu). This variant is not present in population databases (gnomAD no frequency). This variant has not been reported in the literature in individuals affected with FBN1-related conditions. ClinVar contains an entry for this variant (Variation ID: 449756). Advanced modeling of protein sequence and biophysical properties (such as structural, functional, and spatial information, amino acid conservation, physicochemical variation, residue mobility, and thermodynamic stability) performed at Invitae indicates that this missense variant is expected to disrupt FBN1 protein function. This variant disrupts the p.Gly2627 amino acid residue in FBN1. Other variant(s) that disrupt this residue have been determined to be pathogenic (PMID: 7977366, 19839986). This suggests that this residue is clinically significant, and that variants that disrupt this residue are likely to be disease-causing. In summary, the currently available evidence indicates that the variant is pathogenic, but additional data are needed to prove that conclusively. Therefore, this variant has been classified as Likely Pathogenic.

Ambry Genetics
Classification: Likely pathogenic for Familial thoracic aortic aneurysm and aortic dissection. Last evaluated: 2021-03-02. Review status: criteria provided, single submitter. Criteria: Ambry Variant Classification Scheme 2023. Collection method: clinical testing. Allele origin: germline.
Comment: The p.G2627E variant (also known as c.7880G>A), located in coding exon 63 of the FBN1 gene, results from a G to A substitution at nucleotide position 7880. The glycine at codon 2627 is replaced by glutamic acid, an amino acid with similar properties, and is located in the cbEGF-like #42 domain. This variant was not reported in population-based cohorts in the Genome Aggregation Database (gnomAD). Based on internal structural assessment, this alteration disrupts the formation of the calcium-binding in cbEGF domain #42 of FBN1, and it&rsquo;s interaction with cbEGF domain #41 (Lee SS et al. Structure, 2004 Apr;12:717-29; Jensen SA et al. Structure, 2009 May;17:759-68). In addition, another alteration affecting the same amino acid, p.G2627R (c.7879G>A and c.7879G>C), has been reported in association with Marfan syndrome (Hung CC et al. Ann. Hum. Genet., 2009 Nov;73:559-67). This amino acid position is highly conserved in available vertebrate species. In addition, this alteration is predicted to be deleterious by in silico analysis. Based on the majority of available evidence to date, this variant is likely to be pathogenic.

GeneDx
Classification: Likely pathogenic. Last evaluated: 2017-04-20. Review status: criteria provided, single submitter. Criteria: GeneDx Variant Classification (06012015). Collection method: clinical testing. Allele origin: germline. Affected: yes.
Comment: In addition, G2627E is not observed in large population cohorts (Lek et al., 2016; 1000 Genomes Consortium et al., 2015; Exome Variant Server). The G2627E variant is a non-conservative amino acid substitution, which is likely to impact secondary protein structure as these residues differ in polarity, charge, size and/or other properties. In silico analysis also predicts G2627E is probably damaging to the protein structure/function. This substitution occurs within a calcium-binding EGF-like domain of the FBN1 gene at a position that is conserved across species and in all calcium-binding EGF-like domains in the FBN1 gene. Moreover, this residue is involved in domain-domain packing between two calcium-binding EGF-like domains (Downing et al., 1996; Stenson et al., 2014). Furthermore, a missense variant in the same residue (G2627R) has been reported in association with Marfan syndrome (Karttunen et al., 1994). Nevertheless, cysteine substitutions in the calcium-binding EGF-like domains represent the majority of pathogenic missense changes associated with Marfan syndrome (Collod-Beroud et al., 2003), and the functional impact of a glycine to glutamic acid substitution at this position requires further study. In summary, G2627E in the FBN1 gene is interpreted as a likely pathogenic variant

Literature cited by the submitters: PubMed 7977366 (cited by Labcorp Genetics (formerly Invitae), Labcorp); PubMed 19839986 (cited by Labcorp Genetics (formerly Invitae), Labcorp and Ambry Genetics); PubMed 15062093 (cited by Ambry Genetics); PubMed 19446531 (cited by Ambry Genetics).